The following is an entry in ClinVar:

NM_145290.4(ADGRA3):c.1886C>T (p.Thr629Ile)

Gene: ADGRA3 (adhesion G protein-coupled receptor A3; minus strand). Cytogenetic location: 4p15.2.
Variant type: single nucleotide variant.
Coding change: c.1886C>T on transcript NM_145290.4 (MANE Select); coding-DNA position 1886, C replaced by T.
Protein change: p.Thr629Ile; replaces threonine 629 with isoleucine.
Molecular consequence: missense variant.
Genome position (GRCh38, 1-based): chr4:22,413,738, G>A on the plus strand (C>T on the coding strand, the complement: ADGRA3 is on the minus strand). VCF-style: chr4-22413738-G-A. GRCh37 (hg19) VCF-style: chr4-22415361-G-A.
Other names: c.1886C>T (NM_145290.2); short protein forms T629I.
Identifiers: ClinVar variation 849375 (VCV000849375.10), dbSNP rs769779231, ClinGen allele CA2873794.

ClinVar aggregate classification (germline): Uncertain significance. Review status: criteria provided, multiple submitters, no conflicts (2 of 4 stars). 2 submissions from 2 submitters: Uncertain significance (2). Last evaluated 2023-11-29.

Allele frequency attached by ClinVar (database versions not stated): TOPMed below 0.00001; ExAC 0.00001; gnomAD exomes 0.00001.
gnomAD v4.1: 4 of 1,613,886 alleles (0.00025%); highest among the groups gnomAD compares: Non-Finnish European, 0.00034%; no homozygotes.

Submissions (2):

Ambry Genetics
Classification: Uncertain significance. Last evaluated: 2023-11-29. Review status: criteria provided, single submitter. Criteria: Ambry Variant Classification Scheme 2023. Collection method: clinical testing. Allele origin: germline.

Labcorp Genetics (formerly Invitae), Labcorp
Classification: Uncertain significance. Last evaluated: 2022-06-17. Review status: criteria provided, single submitter. Criteria: Invitae Variant Classification Sherloc (09022015). Collection method: clinical testing. Allele origin: germline.
Comment: Algorithms developed to predict the effect of missense changes on protein structure and function (SIFT, PolyPhen-2, Align-GVGD) all suggest that this variant is likely to be tolerated. ClinVar contains an entry for this variant (Variation ID: 849375). This variant has not been reported in the literature in individuals affected with ADGRA3-related conditions. This variant is present in population databases (rs769779231, gnomAD 0.002%). This sequence change replaces threonine, which is neutral and polar, with isoleucine, which is neutral and non-polar, at codon 629 of the ADGRA3 protein (p.Thr629Ile). In summary, the available evidence is currently insufficient to determine the role of this variant in disease. Therefore, it has been classified as a Variant of Uncertain Significance.